The following is an entry in ClinVar:

NM_001034853.2(RPGR):c.593G>A (p.Gly198Glu)

Gene: RPGR (retinitis pigmentosa GTPase regulator; minus strand). Cytogenetic location: Xp11.4.
Variant type: single nucleotide variant.
Coding change: c.593G>A on transcript NM_001034853.2 (MANE Select); coding-DNA position 593, G replaced by A.
Protein change: p.Gly198Glu; replaces glycine 198 with glutamic acid.
Molecular consequence: missense variant. On other transcripts: non-coding transcript variant (5).
Genome position (GRCh38, 1-based): chrX:38,317,342, C>T on the plus strand (G>A on the coding strand, the complement: RPGR is on the minus strand). VCF-style: chrX-38317342-C-T. GRCh37 (hg19) VCF-style: chrX-38176595-C-T.
Other names: c.593G>A, p.Gly198Glu (NM_000328.3, NM_001367245.1, NM_001367246.1 and 3 more transcripts); c.623G>A, p.Gly208Glu (NM_001367248.1); c.590G>A, p.Gly197Glu (NM_001367249.1); short protein forms G197E, G198E, G208E.
Identifiers: ClinVar variation 3249728 (VCV003249728.2).

ClinVar aggregate classification (germline): Likely pathogenic. Review status: reviewed by expert panel (3 of 4 stars). 2 submissions from 2 submitters: Likely pathogenic (1). 1 of the submissions does not count toward it. Last evaluated 2025-09-07.

Conditions:
RPGR-related retinopathy. Also called: RPGR retinopathy. Identifiers: MedGen CN305589, MONDO:0100437.
Retinal dystrophy. Also called: Inherited retinal dystrophy. Identifiers: Orphanet 71862, MedGen C0854723, MeSH D058499, MONDO:0019118, HP:0000556.

Submissions (2):

ClinGen X-linked Inherited Retinal Disease Variant Curation Expert Panel, ClinGen
Classification: Likely pathogenic for RPGR-related retinopathy. Last evaluated: 2025-09-07. Review status: reviewed by expert panel. Criteria: ClinGen X LinkedIRD ACMG Specifications RPGR V1.0.0. Collection method: curation. Allele origin: germline. Inheritance: X-linked inheritance.
Comment: NM_001034853.2(RPGR):c.593G>A (p.Gly198Glu) is a missense variant encoding the substitution of glycine by glutamate at amino acid 198. Another missense variant in the same codon, NM_001034853.2(RPGR):c.592G>A (p.Gly198Arg) (PMIDs: 34985506, 31456290), has been classified as pathogenic for RPGR-related retinopathy based on the ClinGen X-linked IRD VCEP specifications, while no benign missense variants have been identified in this codon. However, the present variant has a lower Grantham’s distance (98) than the comparison variant (125), so the PM5 code has not been applied. This variant is absent from gnomAD v4.1.0 (PM2_Supporting). This variant has been reported in at least 2 apparently unrelated probands meeting one of the PS4 requirements of a male with some functional vision impairment by age 30 years and/or decreased or absent electroretinogram responses (PMID: 18552978, PMID: 32821524, PS4_Supporting). At least one proband harboring the variant exhibits a phenotype including diagnosis at age 25 years, extinguished electroretinogram responses from both rods and cones, night blindness (0.5 pts), visual field defects (0.5 pts), and reduced visual acuity (0.5 pts), which together are not sufficiently specific for RPGR-related retinopathy, so PP4 is not met (1.5 points, PMID: 32821524). The computational predictor REVEL gives a score of 0.980, which is above the ClinGen X-linked IRD VCEP threshold of >0.932 and predicts a damaging effect on RPGR function (PP3_Strong). The computational splicing predictor SpliceAI gives a delta score of 0.15 for donor loss, which is below the ClinGen X-linked IRD VCEP threshold of >0.2 and does not strongly predict that the variant disrupts RPGR splicing. In summary, this variant is classified as likely pathogenic for RPGR-related retinopathy based on the ClinGen X-linked Inherited Retinal Disease Expert Panel Specifications to the ACMG/AMP Variant Interpretation Guidelines for RPGR Version 1.0.0; PS4_Supporting, PP3_Strong, and PM2_Supporting.

Institute of Human Genetics, Univ. Regensburg, Univ. Regensburg
Classification: Likely pathogenic for Retinal dystrophy. Last evaluated: 2019-01-01. Review status: no assertion criteria provided. Criteria: ACMG Guidelines, 2015. Collection method: clinical testing. Allele origin: germline. Affected: yes. Not counted in ClinVar's aggregate classification.